The following is an entry in ClinVar:

NM_001369.3(DNAH5):c.9760A>C (p.Lys3254Gln)

Gene: DNAH5 (dynein axonemal heavy chain 5; minus strand). Cytogenetic location: 5p15.2.
Variant type: single nucleotide variant.
Coding change: c.9760A>C on transcript NM_001369.3 (MANE Select); coding-DNA position 9760, A replaced by C.
Protein change: p.Lys3254Gln; replaces lysine 3254 with glutamine.
Molecular consequence: missense variant.
Genome position (GRCh38, 1-based): chr5:13,769,097, T>G on the plus strand (A>C on the coding strand, the complement: DNAH5 is on the minus strand). VCF-style: chr5-13769097-T-G. GRCh37 (hg19) VCF-style: chr5-13769206-T-G.
Other names: c.9760A>C (NM_001369.2); short protein forms K3254Q.
Identifiers: ClinVar variation 1409285 (VCV001409285.5), dbSNP rs765104542, ClinGen allele CA3202431.

ClinVar aggregate classification (germline): Uncertain significance. Review status: criteria provided, multiple submitters, no conflicts (2 of 4 stars). 2 submissions from 2 submitters: Uncertain significance (2). Last evaluated 2025-09-05.

Conditions:
Primary ciliary dyskinesia. Also called: Ciliary dyskinesia. Identifiers: Orphanet 244, MedGen C0008780, MONDO:0016575, HP:0012265.

Allele frequency attached by ClinVar (database versions not stated): gnomAD 0.00001; gnomAD exomes 0.00001; TOPMed 0.00001; ExAC 0.00002.
gnomAD v4.1: 24 of 1,614,088 alleles (0.0015%); highest among the groups gnomAD compares: Non-Finnish European, 0.0019%; no homozygotes.

Submissions (2):

Labcorp Genetics (formerly Invitae), Labcorp
Classification: Uncertain significance for Primary ciliary dyskinesia. Last evaluated: 2025-09-05. Review status: criteria provided, single submitter. Criteria: Invitae Variant Classification Sherloc (09022015). Collection method: clinical testing. Allele origin: germline.
Comment: This sequence change replaces lysine, which is basic and polar, with glutamine, which is neutral and polar, at codon 3254 of the DNAH5 protein (p.Lys3254Gln). This variant is present in population databases (rs765104542, gnomAD 0.002%). This variant has not been reported in the literature in individuals affected with DNAH5-related conditions. ClinVar contains an entry for this variant (Variation ID: 1409285). Invitae Evidence Modeling of protein sequence and biophysical properties (such as structural, functional, and spatial information, amino acid conservation, physicochemical variation, residue mobility, and thermodynamic stability) indicates that this missense variant is not expected to disrupt DNAH5 protein function with a negative predictive value of 95%. In summary, the available evidence is currently insufficient to determine the role of this variant in disease. Therefore, it has been classified as a Variant of Uncertain Significance.

Ambry Genetics
Classification: Uncertain significance for Primary ciliary dyskinesia. Last evaluated: 2023-12-23. Review status: criteria provided, single submitter. Criteria: Ambry Variant Classification Scheme 2023. Collection method: clinical testing. Allele origin: germline.
Comment: The p.K3254Q variant (also known as c.9760A>C), located in coding exon 58 of the DNAH5 gene, results from an A to C substitution at nucleotide position 9760. The lysine at codon 3254 is replaced by glutamine, an amino acid with similar properties. This amino acid position is conserved. In addition, this alteration is predicted to be tolerated by in silico analysis. Since supporting evidence is limited at this time, the clinical significance of this alteration remains unclear.